The following is an entry in ClinVar:

ClinVar aggregate classification (germline): Uncertain significance (1 of 4 stars; one submission).

Submission:

Labcorp Genetics (formerly Invitae), Labcorp
Classification: Uncertain significance. Last evaluated: 2022-06-10. Review status: criteria provided, single submitter. Criteria: Invitae Variant Classification Sherloc (09022015). Collection method: clinical testing. Allele origin: germline.
Comment: In summary, the available evidence is currently insufficient to determine the role of this variant in disease. Therefore, it has been classified as a Variant of Uncertain Significance. Algorithms developed to predict the effect of sequence changes on RNA splicing suggest that this variant may disrupt the consensus splice site. This variant has not been reported in the literature in individuals affected with FBLN5-related conditions. This variant is not present in population databases (gnomAD no frequency). This sequence change falls in intron 9 of the FBLN5 gene. It does not directly change the encoded amino acid sequence of the FBLN5 protein.

NM_006329.4(FBLN5):c.990-6C>G

Gene: FBLN5 (fibulin 5; minus strand). Cytogenetic location: 14q32.12.
Variant type: single nucleotide variant.
Coding change: c.990-6C>G on transcript NM_006329.4 (MANE Select); 6 bases into the intron before coding-DNA position 990, C replaced by G.
Molecular consequence: intron variant.
Genome position (GRCh38, 1-based): chr14:91,877,688, G>C on the plus strand (C>G on the coding strand, the complement: FBLN5 is on the minus strand). VCF-style: chr14-91877688-G-C. GRCh37 (hg19) VCF-style: chr14-92344032-G-C.
Other names: c.990-6C>G (NM_001384160.1); c.1113-6C>G (NM_001384158.1); c.822-6C>G (NM_001384162.1, NM_001384161.1); c.1041-6C>G (NM_001384159.1).
Identifiers: ClinVar variation 1967282 (VCV001967282.5), dbSNP rs761030748, ClinGen allele CA2580088918.
Genomic context (GRCh38, chr14:91,877,688, plus strand): 5'-GATGGTAAAGGGCTGGTCTCTGCAGCCAGGGTTCTCAGCAGGACACATACAGCGGCTGTG[G>C]AAAGGGAAATCACGTGAGAACTCAAGAAATCCATTCCAGGTGCTGGCTGTGCCTACTTCC-3'